The following is an entry in ClinVar:

NM_170606.3(KMT2C):c.13302G>A (p.Leu4434=)

Gene: KMT2C (lysine methyltransferase 2C; minus strand). Cytogenetic location: 7q36.1.
Variant type: single nucleotide variant.
Coding change: c.13302G>A on transcript NM_170606.3 (MANE Select); coding-DNA position 13302, G replaced by A.
Protein change: p.Leu4434=; no amino-acid change (leucine 4434 retained).
Molecular consequence: synonymous variant.
Genome position (GRCh38, 1-based): chr7:152,148,625, C>T on the plus strand (G>A on the coding strand, the complement: KMT2C is on the minus strand). VCF-style: chr7-152148625-C-T. GRCh37 (hg19) VCF-style: chr7-151845710-C-T.
Identifiers: ClinVar variation 3034985 (VCV003034985.2), dbSNP rs776793326, ClinGen allele CA4578644.

ClinVar aggregate classification (germline): Likely benign (0 of 4 stars; one submission).

Conditions:
KMT2C-related disorder. Also called: KMT2C-related condition; KMT2C-related disorders.

Allele frequency attached by ClinVar (database versions not stated): gnomAD 0.00001; ExAC 0.00006.
gnomAD v4.1: 49 of 1,614,106 alleles (0.003%); highest among the groups gnomAD compares: East Asian, 0.0045%; no homozygotes.

Submission:

PreventionGenetics, part of Exact Sciences
Classification: Likely benign for KMT2C-related condition. Last evaluated: 2019-08-09. Review status: no assertion criteria provided. Collection method: clinical testing. Allele origin: germline.
Comment: This variant is classified as likely benign based on ACMG/AMP sequence variant interpretation guidelines (Richards et al. 2015 PMID: 25741868, with internal and published modifications).